The following is an entry in ClinVar:

NM_000535.7(PMS2):c.2135T>A (p.Leu712Gln)

Gene: PMS2 (PMS1 homolog 2, mismatch repair system component; minus strand). Cytogenetic location: 7p22.1.
Variant type: single nucleotide variant.
Coding change: c.2135T>A on transcript NM_000535.7 (MANE Select); coding-DNA position 2135, T replaced by A.
Protein change: p.Leu712Gln; replaces leucine 712 with glutamine.
Molecular consequence: missense variant. On other transcripts: non-coding transcript variant (1), intron variant (4).
Genome position (GRCh38, 1-based): chr7:5,982,863, A>T on the plus strand (T>A on the coding strand, the complement: PMS2 is on the minus strand). VCF-style: chr7-5982863-A-T. GRCh37 (hg19) VCF-style: chr7-6022494-A-T.
Other names: c.1937T>A, p.Leu646Gln (NM_001406873.1); c.1967T>A, p.Leu656Gln (NM_001406874.1); c.1826T>A, p.Leu609Gln (NM_001406875.1, NM_001406877.1, NM_001406878.1 and 5 more transcripts); c.1817T>A, p.Leu606Gln (NM_001406876.1, NM_001322007.2, NM_001322008.2 and 1 more transcripts); c.1730T>A, p.Leu577Gln (NM_001406889.1, NM_001406890.1, NM_001406896.1 and 14 more transcripts); c.2027T>A, p.Leu676Gln (NM_001406869.1); c.1979T>A, p.Leu660Gln (NM_001406870.1, NM_001322006.2); c.2135T>A, p.Leu712Gln (NM_001406871.1, NM_001322014.2); and 16 more; short protein forms L311Q, L521Q, L554Q, L660Q, L712Q, L557Q, L600Q, L606Q.
Identifiers: ClinVar variation 3935160 (VCV003935160.1).

ClinVar aggregate classification (germline): Uncertain significance (1 of 4 stars; one submission).

Conditions:
Hereditary cancer-predisposing syndrome. Also called: Tumor predisposition; Hereditary neoplastic syndrome; Hereditary Cancer Syndrome; Neoplastic Syndromes, Hereditary. Identifiers: Orphanet 140162, MedGen C0027672, MeSH D009386, MONDO:0015356.

Submission:

Ambry Genetics
Classification: Uncertain significance for Hereditary cancer-predisposing syndrome. Last evaluated: 2025-06-13. Review status: criteria provided, single submitter. Criteria: Ambry Variant Classification Scheme 2023. Collection method: clinical testing. Allele origin: germline.
Comment: The p.L712Q variant (also known as c.2135T>A), located in coding exon 12 of the PMS2 gene, results from a T to A substitution at nucleotide position 2135. The leucine at codon 712 is replaced by glutamine, an amino acid with dissimilar properties. This amino acid position is conserved. In addition, this alteration is predicted to be deleterious by in silico analysis. Based on the available evidence, the clinical significance of this variant remains unclear.